The following is an entry in ClinVar:

ClinVar aggregate classification (germline): Uncertain significance (1 of 4 stars; one submission).

Conditions:
Hypertrophic cardiomyopathy 1 (CMH1). Also called: Familial hypertrophic cardiomyopathy 1; MYH7-Related Familial Hypertrophic Cardiomyopathy. Identifiers: MedGen C3495498, MONDO:0008647, OMIM 192600.

Submission:

Centre for Mendelian Genomics, University Medical Centre Ljubljana
Classification: Uncertain significance for Hypertrophic cardiomyopathy 1. Last evaluated: 2019-09-07. Review status: criteria provided, single submitter. Criteria: ACMG Guidelines, 2015. Collection method: clinical testing. Allele origin: unknown. Affected: yes.
Comment: This variant was classified as: Uncertain significance. The available evidence on this variant's pathogenicity is insufficient or conflicting. The following ACMG criteria were applied in classifying this variant: PM2,BP5.

NM_033118.4(MYLK2):c.1402A>G (p.Met468Val)

Gene: MYLK2 (myosin light chain kinase 2; plus strand). Cytogenetic location: 20q11.21.
Variant type: single nucleotide variant.
Coding change: c.1402A>G on transcript NM_033118.4 (MANE Select); coding-DNA position 1402, A replaced by G.
Protein change: p.Met468Val; replaces methionine 468 with valine.
Molecular consequence: missense variant.
Genome position (GRCh38, 1-based): chr20:31,831,119, A>G. VCF-style: chr20-31831119-A-G. GRCh37 (hg19) VCF-style: chr20-30418922-A-G.
Other names: short protein forms M468V.
Identifiers: ClinVar variation 930530 (VCV000930530.3), dbSNP rs2062304337, ClinGen allele CA408527813.